The following is an entry in ClinVar:

ClinVar aggregate classification (germline): Uncertain significance (1 of 4 stars; one submission).

Allele frequency attached by ClinVar (database versions not stated): TOPMed below 0.00001; gnomAD 0.00001 and 0.00002; gnomAD exomes 0.00009 and 0.00017; ExAC 0.00021.

Submission:

Labcorp Genetics (formerly Invitae), Labcorp
Classification: Uncertain significance. Last evaluated: 2021-04-12. Review status: criteria provided, single submitter. Criteria: Invitae Variant Classification Sherloc (09022015). Collection method: clinical testing. Allele origin: germline.
Comment: In summary, the available evidence is currently insufficient to determine the role of this variant in disease. Therefore, it has been classified as a Variant of Uncertain Significance. Algorithms developed to predict the effect of missense changes on protein structure and function are either unavailable or do not agree on the potential impact of this missense change (SIFT: "Deleterious"; PolyPhen-2: "Benign"; Align-GVGD: "Class C0"). This variant has not been reported in the literature in individuals with GPIHBP1-related conditions. This variant is present in population databases (rs542034857, ExAC 0.1%). This sequence change replaces threonine with isoleucine at codon 91 of the GPIHBP1 protein (p.Thr91Ile). The threonine residue is highly conserved and there is a moderate physicochemical difference between threonine and isoleucine.

NM_178172.6(GPIHBP1):c.272C>T (p.Thr91Ile)

Gene: GPIHBP1 (glycosylphosphatidylinositol anchored high density lipoprotein binding protein 1; plus strand). Cytogenetic location: 8q24.3.
Variant type: single nucleotide variant.
Coding change: c.272C>T on transcript NM_178172.6 (MANE Select); coding-DNA position 272, C replaced by T.
Protein change: p.Thr91Ile; replaces threonine 91 with isoleucine.
Molecular consequence: missense variant.
Genome position (GRCh38, 1-based): chr8:143,215,103, C>T. VCF-style: chr8-143215103-C-T. GRCh37 (hg19) VCF-style: chr8-144296978-C-T.
Other names: c.272C>T, p.Thr91Ile (NM_001301772.2); short protein forms T91I.
Identifiers: ClinVar variation 1353566 (VCV001353566.8), dbSNP rs542034857, ClinGen allele CA4907062.